The following is an entry in ClinVar:

NM_007194.4(CHEK2):c.935A>C (p.Lys312Thr)

Gene: CHEK2 (checkpoint kinase 2; minus strand). Cytogenetic location: 22q12.1.
Variant type: single nucleotide variant.
Coding change: c.935A>C on transcript NM_007194.4 (MANE Select); coding-DNA position 935, A replaced by C.
Protein change: p.Lys312Thr; replaces lysine 312 with threonine.
Molecular consequence: missense variant.
Genome position (GRCh38, 1-based): chr22:28,699,911, T>G on the plus strand (A>C on the coding strand, the complement: CHEK2 is on the minus strand). VCF-style: chr22-28699911-T-G. GRCh37 (hg19) VCF-style: chr22-29095899-T-G.
Other names: c.935A>C, p.Lys312Thr (NM_145862.3); c.1064A>C, p.Lys355Thr (NM_001005735.3); c.272A>C, p.Lys91Thr (NM_001257387.3); c.734A>C, p.Lys245Thr (NM_001349956.3); short protein forms K355T, K245T, K91T, K312T.
Identifiers: ClinVar variation 957042 (VCV000957042.10), dbSNP rs1157311218, ClinGen allele CA411100012.

ClinVar aggregate classification (germline): Uncertain significance (1 of 4 stars; one submission).

Conditions:
Familial cancer of breast. Also called: hereditary breast carcinoma; Hereditary breast cancer; BREAST CANCER, FAMILIAL. Identifiers: Orphanet 227535, MedGen C0346153, MONDO:0016419, OMIM 114480. Disease mechanism: loss of function.

Allele frequency attached by ClinVar (database versions not stated): gnomAD exomes below 0.00001; TOPMed 0.00001.
gnomAD v4.1: 1 of 1,613,974 alleles (0.000062%); highest among the groups gnomAD compares: African/African-American, 0.0013%; no homozygotes.

Submission:

Labcorp Genetics (formerly Invitae), Labcorp
Classification: Uncertain significance for Familial cancer of breast. Last evaluated: 2019-09-21. Review status: criteria provided, single submitter. Criteria: Invitae Variant Classification Sherloc (09022015). Collection method: clinical testing. Allele origin: germline.
Comment: In summary, the available evidence is currently insufficient to determine the role of this variant in disease. Therefore, it has been classified as a Variant of Uncertain Significance. Algorithms developed to predict the effect of missense changes on protein structure and function are either unavailable or do not agree on the potential impact of this missense change (SIFT: "Deleterious"; PolyPhen-2: "Benign"; Align-GVGD: "Class C0"). This variant has not been reported in the literature in individuals with CHEK2-related conditions. This variant is not present in population databases (ExAC no frequency). This sequence change replaces lysine with threonine at codon 312 of the CHEK2 protein (p.Lys312Thr). The lysine residue is weakly conserved and there is a moderate physicochemical difference between lysine and threonine.